The following is an entry in ClinVar:

NM_001148.6(ANK2):c.4641G>T (p.Glu1547Asp)

Gene: ANK2 (ankyrin 2; plus strand). Cytogenetic location: 4q26.
Variant type: single nucleotide variant.
Coding change: c.4641G>T on transcript NM_001148.6 (MANE Select); coding-DNA position 4641, G replaced by T.
Protein change: p.Glu1547Asp; replaces glutamic acid 1547 with aspartic acid.
Molecular consequence: missense variant. On other transcripts: intron variant (68).
Genome position (GRCh38, 1-based): chr4:113,353,259, G>T. VCF-style: chr4-113353259-G-T. GRCh37 (hg19) VCF-style: chr4-114274415-G-T.
Other names: c.4407G>T, p.Glu1469Asp (NM_001386142.1); c.1041G>T, p.Glu347Asp (NM_001386166.1); c.4782G>T, p.Glu1594Asp (NM_001386174.1); c.4758G>T, p.Glu1586Asp (NM_001386175.1); c.4411+3010G>T (NM_001386186.2, NM_001386148.2); c.4213+3010G>T (NM_001354269.3); c.4291+3010G>T (NM_001386187.2); c.4252+3010G>T (NM_001386147.1); and 35 more; short protein forms E1469D, E1586D, E1547D, E1594D, E347D.
Identifiers: ClinVar variation 4994832 (VCV004994832.1).
Genomic context (GRCh38, chr4:113,353,259, plus strand): 5'-TAAGGCAGGTTCTATTAAAGTGAAGGAGCTGGTGAAGGCTGCTGAGGAAGAGCCAGGAGA[G>T]CCTTTTGAAATCGTTGAAAGAGTTAAAGAGGACTTAGAGAAAGTGAATGAAATCCTGAGA-3'
Protein context (NP_001139.3, residues 1537-1557): LVKAAEEEPG[Glu1547Asp]PFEIVERVKE

ClinVar aggregate classification (germline): Uncertain significance (1 of 4 stars; one submission).

Conditions:
ANK2-related disorder. Also called: ANK2-related condition.

gnomAD v4.1: 1 of 1,613,974 alleles (0.000062%); highest among the groups gnomAD compares: African/African-American, 0.0013%; no homozygotes.

Submission:

PreventionGenetics, part of Exact Sciences
Classification: Uncertain significance for ANK2-related condition. Last evaluated: 2025-08-15. Review status: criteria provided, single submitter. Criteria: ACMG Guidelines, 2015. Collection method: clinical testing. Allele origin: germline.
Comment: The ANK2 c.4641G>T variant is predicted to result in the amino acid substitution p.Glu1547Asp. To our knowledge, this variant has not been reported in the literature or in a large population database (gnomAD), indicating this variant is rare. At this time, the clinical significance of this variant is uncertain due to the absence of conclusive functional and genetic evidence.